The following is an entry in ClinVar:

ClinVar aggregate classification (germline): Uncertain significance (1 of 4 stars; one submission).

Conditions:
Autosomal dominant nonsyndromic hearing loss 56. Also called: Deafness, autosomal dominant 56. Identifiers: Orphanet 90635, MedGen C3810170, MONDO:0014283, OMIM 615629.

Submission:

Laboratory of Prof. Karen Avraham, Tel Aviv University
Classification: Uncertain significance for Autosomal dominant nonsyndromic hearing loss 56. Last evaluated: 2024-12-26. Review status: criteria provided, single submitter. Criteria: ACMG Guidelines, 2015. Collection method: research. Allele origin: germline. Affected: yes. Observed: 1 variant allele.
Comment: The TNC c.2447A>G:p.(Asp816Gly) heterozygous variant is predicted deleterious and not found in gnomAD.

NM_002160.4(TNC):c.2447A>G (p.Asp816Gly)

Gene: TNC (tenascin C; minus strand). Cytogenetic location: 9q33.1.
Variant type: single nucleotide variant.
Coding change: c.2447A>G on transcript NM_002160.4 (MANE Select); coding-DNA position 2447, A replaced by G.
Protein change: p.Asp816Gly; replaces aspartic acid 816 with glycine.
Molecular consequence: missense variant.
Genome position (GRCh38, 1-based): chr9:115,078,170, T>C on the plus strand (A>G on the coding strand, the complement: TNC is on the minus strand). VCF-style: chr9-115078170-T-C. GRCh37 (hg19) VCF-style: chr9-117840449-T-C.
Other names: DFNA56; c.2447A>G, p.Asp816Gly (NM_001410991.1); short protein forms D816G.
Identifiers: ClinVar variation 3393408 (VCV003393408.1).